The following is an entry in ClinVar:

NM_006766.5(KAT6A):c.2609G>A (p.Arg870Lys)

Gene: KAT6A (lysine acetyltransferase 6A; minus strand). Cytogenetic location: 8p11.21.
Variant type: single nucleotide variant.
Coding change: c.2609G>A on transcript NM_006766.5 (MANE Select); coding-DNA position 2609, G replaced by A.
Protein change: p.Arg870Lys; replaces arginine 870 with lysine.
Molecular consequence: missense variant.
Genome position (GRCh38, 1-based): chr8:41,941,272, C>T on the plus strand (G>A on the coding strand, the complement: KAT6A is on the minus strand). VCF-style: chr8-41941272-C-T. GRCh37 (hg19) VCF-style: chr8-41798790-C-T.
Other names: short protein forms R870K.
Identifiers: ClinVar variation 2708120 (VCV002708120.3), dbSNP rs1217454654, ClinGen allele CA371072062.
Genomic context (GRCh38, chr8:41,941,272, plus strand): 5'-TCTTCCAAGAGCAGTTTAGAATCTTTATCACCAAAACGTTCCTGGGTTTTTCTGTTCTTC[C>T]TCCCCCAGCGGCCCCTCCGAGATGGCTGGCTATTTGCAGGAAGACTATCATGAGGAAGGA-3'
Protein context (NP_006757.2, residues 860-880): SQPSRRGRWG[Arg870Lys]KNRKTQERFG

ClinVar aggregate classification (germline): Uncertain significance (1 of 4 stars; one submission).

Allele frequency attached by ClinVar (database versions not stated): gnomAD exomes below 0.00001.
gnomAD v4.1: 2 of 1,613,866 alleles (0.00012%); highest among the groups gnomAD compares: Non-Finnish European, 0.00017%; no homozygotes.

Submission:

Labcorp Genetics (formerly Invitae), Labcorp
Classification: Uncertain significance. Last evaluated: 2024-01-07. Review status: criteria provided, single submitter. Criteria: Invitae Variant Classification Sherloc (09022015). Collection method: clinical testing. Allele origin: germline.
Comment: This sequence change replaces arginine, which is basic and polar, with lysine, which is basic and polar, at codon 870 of the KAT6A protein (p.Arg870Lys). This variant is present in population databases (no rsID available, gnomAD 0.0009%). This variant has not been reported in the literature in individuals affected with KAT6A-related conditions. An algorithm developed to predict the effect of missense changes on protein structure and function (PolyPhen-2) suggests that this variant is likely to be disruptive. In summary, the available evidence is currently insufficient to determine the role of this variant in disease. Therefore, it has been classified as a Variant of Uncertain Significance.